The following is an entry in ClinVar:

ClinVar aggregate classification (germline): Likely benign (1 of 4 stars; one submission).

Conditions:
Familial cancer of breast. Also called: hereditary breast carcinoma; BREAST CANCER, FAMILIAL; Hereditary breast cancer. Identifiers: Orphanet 227535, MedGen C0346153, MONDO:0016419, OMIM 114480. Disease mechanism: loss of function.

Submission:

Myriad Genetics, Inc.
Classification: Likely benign for Familial cancer of breast. Last evaluated: 2024-06-18. Review status: criteria provided, single submitter. Criteria: Myriad Autosomal Dominant, Autosomal Recessive and X-Linked Classification Criteria (2023). Collection method: clinical testing. Allele origin: unknown.
Comment: This variant is considered likely benign. This variant is intronic and is not expected to impact mRNA splicing.

NM_000051.4(ATM):c.8151+10C>T

Genes: ATM (ATM serine/threonine kinase; plus strand), C11orf65 (chromosome 11 open reading frame 65; minus strand). Cytogenetic location: 11q22.3.
Variant type: single nucleotide variant.
Coding change: c.8151+10C>T on transcript NM_000051.4 (MANE Select); 10 bases into the intron after coding-DNA position 8151, C replaced by T.
Molecular consequence: intron variant.
Genome position (GRCh38, 1-based): chr11:108,335,119, C>T. VCF-style: chr11-108335119-C-T. GRCh37 (hg19) VCF-style: chr11-108205846-C-T.
Other names: c.8151+10C>T (NM_001351834.2); c.641-26048G>A (NM_001330368.2); c.*38+101G>A (NM_001351110.2).
Identifiers: ClinVar variation 3254183 (VCV003254183.1), dbSNP rs2136666481.